The following is an entry in ClinVar:

ClinVar aggregate classification (germline): Uncertain significance (1 of 4 stars; one submission).

Allele frequency attached by ClinVar (database versions not stated): gnomAD 0.00004 and 0.00005; TOPMed 0.00006; ExAC 0.00007; 1000 Genomes Project 30x 0.00031; 1000 Genomes Project 0.00040.
gnomAD v4.1: 31 of 1,583,096 alleles (0.002%); highest among the groups gnomAD compares: African/African-American, 0.031%; no homozygotes.

Submission:

Labcorp Genetics (formerly Invitae), Labcorp
Classification: Uncertain significance. Last evaluated: 2020-01-20. Review status: criteria provided, single submitter. Criteria: Invitae Variant Classification Sherloc (09022015). Collection method: clinical testing. Allele origin: germline.
Comment: This sequence change falls in intron 10 of the AHR gene. It does not directly change the encoded amino acid sequence of the AHR protein, but it affects a nucleotide within the consensus splice site of the intron. This variant is present in population databases (rs192368632, ExAC 0.06%). This variant has not been reported in the literature in individuals with AHR-related conditions. Nucleotide substitutions within the consensus splice site are a relatively common cause of aberrant splicing (PMID: 17576681, 9536098). Algorithms developed to predict the effect of sequence changes on RNA splicing suggest that this variant is not likely to affect RNA splicing, but this prediction has not been confirmed by published transcriptional studies. In summary, the available evidence is currently insufficient to determine the role of this variant in disease. Therefore, it has been classified as a Variant of Uncertain Significance.

Literature cited by the submitters: PubMed 17576681; PubMed 9536098.

NM_001621.5(AHR):c.2403+5G>A

Gene: AHR (aryl hydrocarbon receptor; plus strand). Cytogenetic location: 7p21.1.
Variant type: single nucleotide variant.
Coding change: c.2403+5G>A on transcript NM_001621.5 (MANE Select); 5 bases into the intron after coding-DNA position 2403, G replaced by A.
Molecular consequence: intron variant.
Genome position (GRCh38, 1-based): chr7:17,340,233, G>A. VCF-style: chr7-17340233-G-A. GRCh37 (hg19) VCF-style: chr7-17379857-G-A.
Identifiers: ClinVar variation 953313 (VCV000953313.3), dbSNP rs192368632, ClinGen allele CA4172287.